The following is an entry in ClinVar:

NM_007144.3(PCGF2):c.754G>A (p.Gly252Arg)

Genes: CISD3 (CDGSH iron sulfur domain 3; plus strand), PCGF2 (polycomb group ring finger 2; minus strand). Cytogenetic location: 17q12.
Variant type: single nucleotide variant.
Coding change: c.754G>A on transcript NM_007144.3 (MANE Select); coding-DNA position 754, G replaced by A.
Protein change: p.Gly252Arg; replaces glycine 252 with arginine.
Molecular consequence: missense variant. On other transcripts: 3 prime UTR variant (1).
Genome position (GRCh38, 1-based): chr17:38,735,504, C>T on the plus strand (G>A on the coding strand, the complement: PCGF2 is on the minus strand). VCF-style: chr17-38735504-C-T. GRCh37 (hg19) VCF-style: chr17-36891757-C-T.
Other names: c.*2049C>T (NM_001136498.2); c.754G>A, p.Gly252Arg (NM_001369614.1, NM_001369615.1); short protein forms G252R.
Identifiers: ClinVar variation 1518288 (VCV001518288.8), dbSNP rs114574378, ClinGen allele CA8524872.

ClinVar aggregate classification (germline): Uncertain significance (1 of 4 stars; one submission).

Allele frequency attached by ClinVar (database versions not stated): gnomAD 0.00001; TOPMed 0.00001; ExAC 0.00007; 1000 Genomes Project 30x 0.00016; 1000 Genomes Project 0.00020.
gnomAD v4.1: 5 of 1,592,594 alleles (0.00031%); highest among the groups gnomAD compares: African/African-American, 0.0027%; no homozygotes.

Submission:

Labcorp Genetics (formerly Invitae), Labcorp
Classification: Uncertain significance. Last evaluated: 2025-12-25. Review status: criteria provided, single submitter. Criteria: Invitae Variant Classification Sherloc (09022015). Collection method: clinical testing. Allele origin: germline.
Comment: This sequence change replaces glycine, which is neutral and non-polar, with arginine, which is basic and polar, at codon 252 of the PCGF2 protein (p.Gly252Arg). The frequency data for this variant in the population databases is considered unreliable, as metrics indicate poor data quality at this position in the gnomAD database. This missense change has been observed in individual(s) with neurodevelopmental disorder (PMID: 33057194, 35982159). ClinVar contains an entry for this variant (Variation ID: 1518288). Invitae Evidence Modeling of protein sequence and biophysical properties (such as structural, functional, and spatial information, amino acid conservation, physicochemical variation, residue mobility, and thermodynamic stability) indicates that this missense variant is not expected to disrupt PCGF2 protein function with a negative predictive value of 80%. In summary, the available evidence is currently insufficient to determine the role of this variant in disease. Therefore, it has been classified as a Variant of Uncertain Significance.

Literature cited by the submitters: PubMed 33057194; PubMed 35982159.